The following is an entry in ClinVar:

ClinVar aggregate classification (germline): Uncertain significance (1 of 4 stars; one submission).

Allele frequency attached by ClinVar (database versions not stated): TOPMed 0.00001.

Submission:

Labcorp Genetics (formerly Invitae), Labcorp
Classification: Uncertain significance. Last evaluated: 2022-10-07. Review status: criteria provided, single submitter. Criteria: Invitae Variant Classification Sherloc (09022015). Collection method: clinical testing. Allele origin: germline.
Comment: This sequence change replaces proline, which is neutral and non-polar, with alanine, which is neutral and non-polar, at codon 167 of the TUBGCP4 protein (p.Pro167Ala). This variant is not present in population databases (gnomAD no frequency). This variant has not been reported in the literature in individuals affected with TUBGCP4-related conditions. Advanced modeling of protein sequence and biophysical properties (such as structural, functional, and spatial information, amino acid conservation, physicochemical variation, residue mobility, and thermodynamic stability) performed at Invitae indicates that this missense variant is not expected to disrupt TUBGCP4 protein function. In summary, the available evidence is currently insufficient to determine the role of this variant in disease. Therefore, it has been classified as a Variant of Uncertain Significance.

NM_014444.5(TUBGCP4):c.499C>G (p.Pro167Ala)

Gene: TUBGCP4 (tubulin gamma complex component 4; plus strand). Cytogenetic location: 15q15.3.
Variant type: single nucleotide variant.
Coding change: c.499C>G on transcript NM_014444.5 (MANE Select); coding-DNA position 499, C replaced by G.
Protein change: p.Pro167Ala; replaces proline 167 with alanine.
Molecular consequence: missense variant.
Genome position (GRCh38, 1-based): chr15:43,380,141, C>G. VCF-style: chr15-43380141-C-G. GRCh37 (hg19) VCF-style: chr15-43672339-C-G.
Other names: c.499C>G, p.Pro167Ala (NM_001286414.3); short protein forms P167A.
Identifiers: ClinVar variation 1914773 (VCV001914773.5), dbSNP rs1038446822, ClinGen allele CA269987851.